The following is an entry in ClinVar:

NM_020975.6(RET):c.1492G>A (p.Ala498Thr)

Gene: RET (ret proto-oncogene; plus strand). Cytogenetic location: 10q11.21.
Variant type: single nucleotide variant.
Coding change: c.1492G>A on transcript NM_020975.6 (MANE Select); coding-DNA position 1492, G replaced by A.
Protein change: p.Ala498Thr; replaces alanine 498 with threonine.
Molecular consequence: missense variant. On other transcripts: intron variant (15).
Genome position (GRCh38, 1-based): chr10:43,111,435, G>A. VCF-style: chr10-43111435-G-A. GRCh37 (hg19) VCF-style: chr10-43606883-G-A.
Other names: c.730G>A, p.Ala244Thr (NM_001355216.2); c.1492G>A, p.Ala498Thr (NM_001406743.1, NM_001406744.1, NM_001406759.1 and 4 more transcripts); c.1363G>A, p.Ala455Thr (NM_001406761.1, NM_001406762.1, NM_001406764.1 and 1 more transcripts); c.1096G>A, p.Ala366Thr (NM_001406772.1, NM_001406769.1); c.1054G>A, p.Ala352Thr (NM_001406773.1, NM_001406771.1); c.967G>A, p.Ala323Thr (NM_001406774.1); c.766G>A, p.Ala256Thr (NM_001406775.1, NM_001406776.1, NM_001406777.1 and 1 more transcripts); c.502G>A, p.Ala168Thr (NM_001406784.1); and 5 more; short protein forms A168T, A244T, A256T, A323T, A352T, A366T, A402T, A455T.
Identifiers: ClinVar variation 3619762 (VCV003619762.2).

ClinVar aggregate classification (germline): Uncertain significance (1 of 4 stars; one submission).

Conditions:
Multiple endocrine neoplasia, type 2 (MEN2). Identifiers: Orphanet 653, MedGen C4048306, MONDO:0019003. Disease mechanism: gain of function.

Submission:

Labcorp Genetics (formerly Invitae), Labcorp
Classification: Uncertain significance for Multiple endocrine neoplasia, type 2. Last evaluated: 2024-05-23. Review status: criteria provided, single submitter. Criteria: Invitae Variant Classification Sherloc (09022015). Collection method: clinical testing. Allele origin: germline.
Comment: This sequence change replaces alanine, which is neutral and non-polar, with threonine, which is neutral and polar, at codon 498 of the RET protein (p.Ala498Thr). This variant is not present in population databases (gnomAD no frequency). This variant has not been reported in the literature in individuals affected with RET-related conditions. Algorithms developed to predict the effect of missense changes on protein structure and function output the following: SIFT: "Not Available"; PolyPhen-2: "Benign"; Align-GVGD: "Not Available". The threonine amino acid residue is found in multiple mammalian species, which suggests that this missense change does not adversely affect protein function. In summary, the available evidence is currently insufficient to determine the role of this variant in disease. Therefore, it has been classified as a Variant of Uncertain Significance.